The following is an entry in ClinVar:

NM_000368.5(TSC1):c.1998-1G>T

Gene: TSC1 (TSC complex subunit 1; minus strand). Cytogenetic location: 9q34.13.
Variant type: single nucleotide variant.
Coding change: c.1998-1G>T on transcript NM_000368.5 (MANE Select); the canonical splice acceptor site of the intron before coding-DNA position 1998, G replaced by T.
Molecular consequence: splice acceptor variant.
Genome position (GRCh38, 1-based): chr9:132,904,455, C>A on the plus strand (G>T on the coding strand, the complement: TSC1 is on the minus strand). VCF-style: chr9-132904455-C-A. GRCh37 (hg19) VCF-style: chr9-135779842-C-A.
Other names: c.1632-1G>T (NM_001406620.1, NM_001406625.1, NM_001406621.1 and 2 more transcripts); c.1635-1G>T (NM_001406618.1, NM_001406617.1, NM_001406619.1 and 5 more transcripts); c.1842-1G>T (NM_001406613.1, NM_001406612.1, NM_001406611.1); c.1845-1G>T (NM_001406610.1, NM_001162427.2); c.1044-1G>T (NM_001406627.1, NM_001406628.1); c.945-1G>T (NM_001406629.1, NM_001406630.1); c.1995-1G>T (NM_001406603.1, NM_001406609.1, NM_001406597.1 and 6 more transcripts); c.1998-1G>T (NM_001406602.1, NM_001406606.1, NM_001406592.1 and 7 more transcripts); and 1 more.
Identifiers: ClinVar variation 237706 (VCV000237706.9), dbSNP rs118203614, ClinGen allele CA10582626.

ClinVar aggregate classification (germline): Pathogenic/Likely pathogenic. Review status: criteria provided, multiple submitters, no conflicts (2 of 4 stars). 2 submissions from 2 submitters: Pathogenic (1); Likely pathogenic (1). Last evaluated 2026-03-25.

Conditions:
Hereditary cancer-predisposing syndrome. Also called: Neoplastic Syndromes, Hereditary; Hereditary Cancer Syndrome; Tumor predisposition; Hereditary neoplastic syndrome. Identifiers: Orphanet 140162, MedGen C0027672, MeSH D009386, MONDO:0015356.
Tuberous sclerosis 1 (TSC1). Identifiers: Orphanet 805, MedGen C1854465, MONDO:0008612, OMIM 191100.

Submissions (2):

Ambry Genetics
Classification: Likely pathogenic for Hereditary cancer-predisposing syndrome. Last evaluated: 2026-03-25. Review status: criteria provided, single submitter. Criteria: Ambry Variant Classification Scheme 2023. Collection method: clinical testing. Allele origin: germline.
Comment: The c.1998-1G>T intronic variant results from a G to T substitution one nucleotide upstream from coding exon 14 of the TSC1 gene. This variant has been reported in individuals with clinical features consistent with tuberous sclerosis complex (TSC) (Ambry internal data; Luo C et al. Orphanet J Rare Dis, 2022 Jul;17:288; Fokkema IFAC et al. Eur J Hum Genet 2021 Dec;29(12):1796-1803). This nucleotide position is highly conserved in available vertebrate species. In silico splice site analysis predicts that this alteration will weaken the native splice acceptor site and may result in the creation or strengthening of a novel splice acceptor site. RNA studies have demonstrated that this variant results in abnormal splicing in the set of samples tested (Ambry internal data). Based on the majority of available evidence to date, this variant is likely to be pathogenic.

Labcorp Genetics (formerly Invitae), Labcorp
Classification: Pathogenic for Tuberous sclerosis 1. Last evaluated: 2016-12-20. Review status: criteria provided, single submitter. Criteria: Invitae Variant Classification Sherloc (09022015). Collection method: clinical testing. Allele origin: germline.
Comment: For these reasons, this variant has been classified as Pathogenic. This variant has not been reported in the literature in an individual with a TSC1-related disease, but has been reported in an individual affected with tuberous sclerosis complex in the Leiden Open-source Variation Database (PMID: 21520333) and in a family diagnosed with tuberous sclerosis complex (Invitae). This sequence change affects an acceptor splice site in intron 15 of TSC1. It is expected to disrupt mRNA splicing and likely results in an absent or disrupted protein product.

Literature cited by the submitters: PubMed 34521998 (cited by Ambry Genetics); PubMed 35870981 (cited by Ambry Genetics); PubMed 21520333 (cited by Labcorp Genetics (formerly Invitae), Labcorp).